The following is an entry in ClinVar:

ClinVar aggregate classification (germline): Benign. Review status: criteria provided, multiple submitters, no conflicts (2 of 4 stars). 3 submissions from 3 submitters: Benign (2). 1 of the submissions does not count toward it. Last evaluated 2025-12-15.

Conditions:
Retinal dystrophy. Also called: Inherited retinal dystrophy. Identifiers: Orphanet 71862, MedGen C0854723, MeSH D058499, MONDO:0019118, HP:0000556.
FSCN2-related disorder. Also called: FSCN2-related condition.

Allele frequency attached by ClinVar (database versions not stated): gnomAD exomes 0.00012 and 0.00043; gnomAD 0.00018 and 0.00019; TOPMed 0.00025; ExAC 0.00082.
gnomAD v4.1: 200 of 1,587,108 alleles (0.013%); highest among the groups gnomAD compares: East Asian, 0.39%; 1 homozygote.

Submissions (3):

Labcorp Genetics (formerly Invitae), Labcorp
Classification: Benign. Last evaluated: 2025-12-15. Review status: criteria provided, single submitter. Criteria: Invitae Variant Classification Sherloc (09022015). Collection method: clinical testing. Allele origin: germline.

Dept Of Ophthalmology, Nagoya University
Classification: Benign for Retinal dystrophy. Last evaluated: 2023-10-01. Review status: criteria provided, single submitter. Criteria: Submitter's publication. Collection method: research. Allele origin: germline. Affected: yes.

PreventionGenetics, part of Exact Sciences
Classification: Likely benign for FSCN2-related condition. Last evaluated: 2019-08-09. Review status: no assertion criteria provided. Collection method: clinical testing. Allele origin: germline. Not counted in ClinVar's aggregate classification.
Comment: This variant is classified as likely benign based on ACMG/AMP sequence variant interpretation guidelines (Richards et al. 2015 PMID: 25741868, with internal and published modifications).

NM_012418.4(FSCN2):c.442C>T (p.Arg148Trp)

Gene: FSCN2 (fascin actin-bundling protein 2, retinal; plus strand). Cytogenetic location: 17q25.3.
Variant type: single nucleotide variant.
Coding change: c.442C>T on transcript NM_012418.4 (MANE Select); coding-DNA position 442, C replaced by T.
Protein change: p.Arg148Trp; replaces arginine 148 with tryptophan.
Molecular consequence: missense variant.
Genome position (GRCh38, 1-based): chr17:81,528,973, C>T. VCF-style: chr17-81528973-C-T. GRCh37 (hg19) VCF-style: chr17-79495999-C-T.
Other names: c.442C>T, p.Arg148Trp (NM_001077182.3); short protein forms R148W.
Identifiers: ClinVar variation 739513 (VCV000739513.12), dbSNP rs781899862, ClinGen allele CA8836678.